The following is an entry in ClinVar:

ClinVar aggregate classification (germline): Uncertain significance. Review status: criteria provided, multiple submitters, no conflicts (2 of 4 stars). 3 submissions from 3 submitters: Uncertain significance (3). Last evaluated 2025-12-16.

Allele frequency attached by ClinVar (database versions not stated): ExAC 0.00001; TOPMed 0.00001; gnomAD exomes 0.00003.

Submissions (3):

Labcorp Genetics (formerly Invitae), Labcorp
Classification: Uncertain significance. Last evaluated: 2025-12-16. Review status: criteria provided, single submitter. Criteria: Invitae Variant Classification Sherloc (09022015). Collection method: clinical testing. Allele origin: germline.
Comment: This sequence change replaces histidine, which is basic and polar, with proline, which is neutral and non-polar, at codon 835 of the NEXMIF protein (p.His835Pro). This variant is present in population databases (rs762983389, gnomAD 0.01%). This variant has not been reported in the literature in individuals affected with NEXMIF-related conditions. ClinVar contains an entry for this variant (Variation ID: 541120). An algorithm developed to predict the effect of missense changes on protein structure and function (PolyPhen-2) suggests that this variant is likely to be tolerated. In summary, the available evidence is currently insufficient to determine the role of this variant in disease. Therefore, it has been classified as a Variant of Uncertain Significance.

Women's Health and Genetics/Laboratory Corporation of America, LabCorp
Classification: Uncertain significance. Last evaluated: 2025-11-11. Review status: criteria provided, single submitter. Criteria: LabCorp Variant Classification Summary - May 2015. Collection method: clinical testing. Allele origin: germline.
Comment: Variant summary: NEXMIF c.2504A>C (p.His835Pro) results in a non-conservative amino acid change in the encoded protein sequence. Algorithms developed to predict the effect of missense changes on protein structure and function are either unavailable or do not agree on the potential impact of this missense change. The variant allele was found at a frequency of 2.7e-05 in 183251 control chromosomes. The available data on variant occurrences in the general population are insufficient to allow any conclusion about variant significance. To our knowledge, no occurrence of c.2504A>C in individuals affected with NEXMIF-related conditions and no experimental evidence demonstrating its impact on protein function have been reported. ClinVar contains an entry for this variant (Variation ID: 541120). Based on the evidence outlined above, the variant was classified as uncertain significance.

GeneDx
Classification: Uncertain significance. Last evaluated: 2019-04-25. Review status: criteria provided, single submitter. Criteria: GeneDx Variant Classification Process June 2021. Collection method: clinical testing. Allele origin: germline. Affected: yes.
Comment: In silico analysis, which includes protein predictors and evolutionary conservation, supports that this variant does not alter protein structure/function; Has not been previously published as pathogenic or benign to our knowledge

NM_001008537.3(NEXMIF):c.2504A>C (p.His835Pro)

Gene: NEXMIF (neurite extension and migration factor; minus strand). Cytogenetic location: Xq13.3.
Variant type: single nucleotide variant.
Coding change: c.2504A>C on transcript NM_001008537.3 (MANE Select); coding-DNA position 2504, A replaced by C.
Protein change: p.His835Pro; replaces histidine 835 with proline.
Molecular consequence: missense variant.
Genome position (GRCh38, 1-based): chrX:74,742,053, T>G on the plus strand (A>C on the coding strand, the complement: NEXMIF is on the minus strand). VCF-style: chrX-74742053-T-G. GRCh37 (hg19) VCF-style: chrX-73961888-T-G.
Other names: short protein forms H835P.
Identifiers: ClinVar variation 541120 (VCV000541120.11), dbSNP rs762983389, ClinGen allele CA10455038.